The following is an entry in ClinVar:

NM_000038.6(APC):c.1272G>C (p.Gln424His)

Gene: APC (APC regulator of Wnt signaling pathway; plus strand). Cytogenetic location: 5q22.2.
Variant type: single nucleotide variant.
Coding change: c.1272G>C on transcript NM_000038.6 (MANE Select); coding-DNA position 1272, G replaced by C.
Protein change: p.Gln424His; replaces glutamine 424 with histidine.
Molecular consequence: missense variant.
Genome position (GRCh38, 1-based): chr5:112,819,304, G>C. VCF-style: chr5-112819304-G-C. GRCh37 (hg19) VCF-style: chr5-112155001-G-C.
Other names: c.1272G>C, p.Gln424His (NM_001127510.3, NM_001354895.2, NM_001354896.2); c.1218G>C, p.Gln406His (NM_001127511.3); c.1302G>C, p.Gln434His (NM_001354897.2); c.1197G>C, p.Gln399His (NM_001354898.2); c.1188G>C, p.Gln396His (NM_001354899.2); c.1095G>C, p.Gln365His (NM_001354900.2, NM_001354901.2); c.999G>C, p.Gln333His (NM_001354902.2); c.969G>C, p.Gln323His (NM_001354903.2); and 3 more; short protein forms Q406H, Q424H, Q264H, Q396H, Q399H, Q323H, Q365H, Q434H.
Identifiers: ClinVar variation 489412 (VCV000489412.6), dbSNP rs778975532, ClinGen allele CA16024091.

ClinVar aggregate classification (germline): Uncertain significance (1 of 4 stars; one submission).

Conditions:
Hereditary cancer-predisposing syndrome. Also called: Hereditary Cancer Syndrome; Neoplastic Syndromes, Hereditary; Tumor predisposition; Hereditary neoplastic syndrome. Identifiers: Orphanet 140162, MedGen C0027672, MeSH D009386, MONDO:0015356.

Submission:

Color Diagnostics, LLC DBA Color Health
Classification: Uncertain significance for Hereditary cancer-predisposing syndrome. Last evaluated: 2023-12-05. Review status: criteria provided, single submitter. Criteria: ACMG Guidelines, 2015. Collection method: clinical testing. Allele origin: germline.
Comment: This missense variant replaces glutamine with histidine at codon 424 of the APC protein. Computational prediction is inconclusive regarding the impact of this variant on protein structure and function (internally defined REVEL score threshold 0.5 < inconclusive < 0.7, PMID: 27666373). To our knowledge, functional studies have not been reported for this variant. This variant has not been reported in individuals affected with APC-related disorders in the literature. This variant has not been identified in the general population by the Genome Aggregation Database (gnomAD). The available evidence is insufficient to determine the role of this variant in disease conclusively. Therefore, this variant is classified as a Variant of Uncertain Significance.